The following is an entry in ClinVar:

ClinVar aggregate classification (germline): Uncertain significance. Review status: criteria provided, multiple submitters, no conflicts (2 of 4 stars). 2 submissions from 2 submitters: Uncertain significance (2). Last evaluated 2022-06-27.

Conditions:
Congenital hyperammonemia, type I. Also called: Carbamoyl phosphate synthetase I deficiency disease; Carbamoyl-phosphate synthase I deficiency; CPS I DEFICIENCY; Carbamoyl phosphate synthetase 1 deficiency; Hyperammonemia due to carbamoyl phosphate synthetase 1 deficiency; CPS 1 deficiency. Identifiers: Orphanet 147, MedGen C4082171, MONDO:0009376, OMIM 237300.
Pulmonary hypertension, neonatal, susceptibility to (PHN). Identifiers: MedGen C3714958, MONDO:0014151, OMIM 615371.

Allele frequency attached by ClinVar (database versions not stated): gnomAD exomes below 0.00001 and 0.00001; ExAC 0.00001; gnomAD 0.00001; TOPMed 0.00001.

Submissions (2):

Labcorp Genetics (formerly Invitae), Labcorp
Classification: Uncertain significance for Congenital hyperammonemia, type I. Last evaluated: 2022-06-27. Review status: criteria provided, single submitter. Criteria: Invitae Variant Classification Sherloc (09022015). Collection method: clinical testing. Allele origin: germline.
Comment: This sequence change affects codon 1334 of the CPS1 mRNA. It is a 'silent' change, meaning that it does not change the encoded amino acid sequence of the CPS1 protein. This variant also falls at the last nucleotide of exon 33, which is part of the consensus splice site for this exon. This variant is present in population databases (rs774434356, gnomAD 0.002%). This variant has not been reported in the literature in individuals affected with CPS1-related conditions. Variants that disrupt the consensus splice site are a relatively common cause of aberrant splicing (PMID: 17576681, 9536098). Algorithms developed to predict the effect of sequence changes on RNA splicing suggest that this variant may disrupt the consensus splice site. In summary, the available evidence is currently insufficient to determine the role of this variant in disease. Therefore, it has been classified as a Variant of Uncertain Significance.

Fulgent Genetics
Classification: Uncertain significance for Congenital hyperammonemia, type I; Pulmonary hypertension, neonatal, susceptibility to. Last evaluated: 2021-07-12. Review status: criteria provided, single submitter. Criteria: ACMG Guidelines, 2015. Collection method: clinical testing. Allele origin: unknown.

Literature cited by the submitters: PubMed 17576681 (cited by Labcorp Genetics (formerly Invitae), Labcorp); PubMed 9536098 (cited by Labcorp Genetics (formerly Invitae), Labcorp).

NM_001875.5(CPS1):c.4002G>A (p.Glu1334=)

Gene: CPS1 (carbamoyl-phosphate synthase 1; plus strand). Cytogenetic location: 2q34.
Variant type: single nucleotide variant.
Coding change: c.4002G>A on transcript NM_001875.5 (MANE Select); coding-DNA position 4002, G replaced by A.
Protein change: p.Glu1334=; no amino-acid change (glutamic acid 1334 retained).
Molecular consequence: synonymous variant. On other transcripts: non-coding transcript variant (2).
Genome position (GRCh38, 1-based): chr2:210,663,197, G>A. VCF-style: chr2-210663197-G-A. GRCh37 (hg19) VCF-style: chr2-211527921-G-A.
Other names: c.4002G>A, p.Glu1334= (NM_001122633.3, NM_001369257.1); c.4035G>A, p.Glu1345= (NM_001369256.1).
Identifiers: ClinVar variation 1412608 (VCV001412608.4), dbSNP rs774434356, ClinGen allele CA2087139.